The following is an entry in ClinVar:

ClinVar aggregate classification (germline): Uncertain significance (1 of 4 stars; one submission).

Conditions:
SLC5A2-related disorder. Also called: SLC5A2-related condition.

Submission:

PreventionGenetics, part of Exact Sciences
Classification: Uncertain significance for SLC5A2-related condition. Last evaluated: 2024-11-13. Review status: criteria provided, single submitter. Criteria: ACMG Guidelines, 2015. Collection method: clinical testing. Allele origin: germline.
Comment: The SLC5A2 c.860C>T variant is predicted to result in the amino acid substitution p.Ser287Leu. To our knowledge, this variant has not been reported in the literature. This variant is reported in 0.0072% of alleles in individuals of European (Non-Finnish) descent in gnomAD. At this time, the clinical significance of this variant is uncertain due to the absence of conclusive functional and genetic evidence.

NM_003041.4(SLC5A2):c.860C>T (p.Ser287Leu)

Genes: SLC5A2 (solute carrier family 5 member 2; plus strand), LOC130058907 (ATAC-STARR-seq lymphoblastoid silent region 7421; plus strand). Cytogenetic location: 16p11.2.
Variant type: single nucleotide variant.
Coding change: c.860C>T on transcript NM_003041.4 (MANE Select); coding-DNA position 860, C replaced by T.
Protein change: p.Ser287Leu; replaces serine 287 with leucine.
Molecular consequence: missense variant. On other transcripts: non-coding transcript variant (1).
Genome position (GRCh38, 1-based): chr16:31,487,734, C>T. VCF-style: chr16-31487734-C-T. GRCh37 (hg19) VCF-style: chr16-31499055-C-T.
Other names: short protein forms S287L.
Identifiers: ClinVar variation 4997214 (VCV004997214.1).